The following is an entry in ClinVar:

NM_004360.5(CDH1):c.561G>A (p.Lys187=)

Gene: CDH1 (cadherin 1; plus strand). Cytogenetic location: 16q22.1.
Variant type: single nucleotide variant.
Coding change: c.561G>A on transcript NM_004360.5 (MANE Select); coding-DNA position 561, G replaced by A.
Protein change: p.Lys187=; no amino-acid change (lysine 187 retained).
Molecular consequence: synonymous variant. On other transcripts: 5 prime UTR variant (2).
Genome position (GRCh38, 1-based): chr16:68,808,722, G>A. VCF-style: chr16-68808722-G-A. GRCh37 (hg19) VCF-style: chr16-68842625-G-A.
Other names: c.561G>A (LRG_301t1); c.561G>A, p.Lys187= (NM_001317184.2); c.-1055G>A (NM_001317185.2); c.-1259G>A (NM_001317186.2).
Identifiers: ClinVar variation 414055 (VCV000414055.27), dbSNP rs765426607, ClinGen allele CA8129893.

ClinVar aggregate classification (germline): Benign/Likely benign. Review status: criteria provided, multiple submitters, no conflicts (2 of 4 stars). 8 submissions from 8 submitters: Benign (1); Likely benign (7). Last evaluated 2025-08-03.

Conditions:
Hereditary cancer-predisposing syndrome. Also called: Tumor predisposition; Hereditary neoplastic syndrome; Hereditary Cancer Syndrome; Neoplastic Syndromes, Hereditary. Identifiers: Orphanet 140162, MedGen C0027672, MeSH D009386, MONDO:0015356.
Hereditary diffuse gastric adenocarcinoma (HDGC). Also called: DIFFUSE GASTRIC AND LOBULAR BREAST CANCER SYNDROME. Identifiers: Orphanet 26106, MedGen C1708349, MONDO:0007648, OMIM 137215.

Allele frequency attached by ClinVar (database versions not stated): gnomAD exomes below 0.00001 and 0.00001; ExAC 0.00002.
gnomAD v4.1: 6 of 1,614,128 alleles (0.00037%); highest among the groups gnomAD compares: Non-Finnish European, 0.00042%; no homozygotes.

Submissions (8):

Labcorp Genetics (formerly Invitae), Labcorp
Classification: Likely benign for Hereditary diffuse gastric adenocarcinoma. Last evaluated: 2025-08-03. Review status: criteria provided, single submitter. Criteria: Invitae Variant Classification Sherloc (09022015). Collection method: clinical testing. Allele origin: germline.

CeGaT Center for Human Genetics Tuebingen
Classification: Likely benign. Last evaluated: 2025-03-01. Review status: criteria provided, single submitter. Criteria: CeGaT Center For Human Genetics Tuebingen Variant Classification Criteria Version 2. Collection method: clinical testing. Allele origin: germline. Affected: yes. Observed: 1 variant allele.
Comment: CDH1: BP4, BP7

Myriad Genetics, Inc.
Classification: Benign for Hereditary diffuse gastric adenocarcinoma. Last evaluated: 2024-09-13. Review status: criteria provided, single submitter. Criteria: Myriad Autosomal Dominant, Autosomal Recessive and X-Linked Classification Criteria (2023). Collection method: clinical testing. Allele origin: unknown.
Comment: This variant is considered benign. This variant is a silent/synonymous amino acid change and it is not expected to impact splicing.

Sema4
Classification: Likely benign for Hereditary cancer-predisposing syndrome. Last evaluated: 2020-11-19. Review status: criteria provided, single submitter. Criteria: Sema4 Curation Guidelines. Collection method: curation. Allele origin: germline.

Quest Diagnostics Nichols Institute San Juan Capistrano
Classification: Likely benign. Last evaluated: 2020-11-06. Review status: criteria provided, single submitter. Criteria: Quest Diagnostics criteria. Collection method: clinical testing. Allele origin: unknown.

Ambry Genetics
Classification: Likely benign for Hereditary cancer-predisposing syndrome. Last evaluated: 2018-10-18. Review status: criteria provided, single submitter. Criteria: Ambry Variant Classification Scheme 2023. Collection method: clinical testing. Allele origin: germline.

GeneDx
Classification: Likely benign. Last evaluated: 2018-02-12. Review status: criteria provided, single submitter. Criteria: GeneDx Variant Classification (06012015). Collection method: clinical testing. Allele origin: germline. Affected: yes.
Comment: This variant is considered likely benign or benign based on one or more of the following criteria: it is a conservative change, it occurs at a poorly conserved position in the protein, it is predicted to be benign by multiple in silico algorithms, and/or has population frequency not consistent with disease.

Color Diagnostics, LLC DBA Color Health
Classification: Likely benign for Hereditary cancer-predisposing syndrome. Last evaluated: 2017-02-10. Review status: criteria provided, single submitter. Criteria: ACMG Guidelines, 2015. Collection method: clinical testing. Allele origin: germline.